The following is an entry in ClinVar:

ClinVar aggregate classification (germline): Uncertain significance. Review status: criteria provided, multiple submitters, no conflicts (2 of 4 stars). 2 submissions from 2 submitters: Uncertain significance (2). Last evaluated 2025-11-10.

Conditions:
Neurofibromatosis, type 1 (NF1). Also called: VON RECKLINGHAUSEN DISEASE; Peripheral type neurofibromatosis; NEUROFIBROMATOSIS, TYPE I, SOMATIC; Neurofibromatosis, type I. Identifiers: Orphanet 636, MedGen C0027831, MONDO:0018975, OMIM 162200. Disease mechanism: loss of function.
Hereditary cancer-predisposing syndrome. Also called: Neoplastic Syndromes, Hereditary; Tumor predisposition; Hereditary Cancer Syndrome; Hereditary neoplastic syndrome. Identifiers: Orphanet 140162, MedGen C0027672, MeSH D009386, MONDO:0015356.

Allele frequency attached by ClinVar (database versions not stated): gnomAD exomes below 0.00001; gnomAD 0.00001.
gnomAD v4.1: 3 of 1,613,540 alleles (0.00019%); highest among the groups gnomAD compares: African/African-American, 0.0013%; no homozygotes.

Submissions (2):

Labcorp Genetics (formerly Invitae), Labcorp
Classification: Uncertain significance for Neurofibromatosis, type 1. Last evaluated: 2025-11-10. Review status: criteria provided, single submitter. Criteria: Invitae Variant Classification Sherloc (09022015). Collection method: clinical testing. Allele origin: germline.
Comment: This sequence change replaces serine, which is neutral and polar, with phenylalanine, which is neutral and non-polar, at codon 421 of the NF1 protein (p.Ser421Phe). This variant is present in population databases (no rsID available, gnomAD 0.01%). This variant has not been reported in the literature in individuals affected with NF1-related conditions. ClinVar contains an entry for this variant (Variation ID: 1927014). An algorithm developed to predict the effect of missense changes on protein structure and function (PolyPhen-2) suggests that this variant is likely to be disruptive. In summary, the available evidence is currently insufficient to determine the role of this variant in disease. Therefore, it has been classified as a Variant of Uncertain Significance.

Institute for Biomarker Research, Medical Diagnostic Laboratories, L.L.C.
Classification: Uncertain significance for Hereditary cancer-predisposing syndrome. Last evaluated: 2025-03-20. Review status: criteria provided, single submitter. Criteria: ACMG Guidelines, 2015. Collection method: clinical testing. Allele origin: germline.
Comment: The missense variant NM_000267.3(NF1):c.1262C>T (p.Ser421Phe) has not been reported previously as a pathogenic variant nor as a benign variant, to our knowledge. There is a large physicochemical difference between serine and phenylalanine, which is likely to impact secondary protein structure as these residues differ in polarity, charge, size and/or other properties. The p.Ser421Phe missense variant is predicted to be damaging by both SIFT and PolyPhen2.The nucleotide c.1262 in NF1 is predicted conserved by GERP++ and PhyloP across 100 vertebrates. For these reasons, this variant has been classified as Uncertain Significance.

NM_001042492.3(NF1):c.1262C>T (p.Ser421Phe)

Gene: NF1 (neurofibromin 1; plus strand). Cytogenetic location: 17q11.2.
Variant type: single nucleotide variant.
Coding change: c.1262C>T on transcript NM_001042492.3 (MANE Select); coding-DNA position 1262, C replaced by T.
Protein change: p.Ser421Phe; replaces serine 421 with phenylalanine.
Molecular consequence: missense variant.
Genome position (GRCh38, 1-based): chr17:31,206,241, C>T. VCF-style: chr17-31206241-C-T. GRCh37 (hg19) VCF-style: chr17-29533259-C-T.
Other names: c.1262C>T, p.Ser421Phe (NM_000267.4, NM_001128147.3); short protein forms S421F.
Identifiers: ClinVar variation 1927014 (VCV001927014.6), dbSNP rs1353527088, ClinGen allele CA398999059.